The following is an entry in ClinVar:

ClinVar aggregate classification (germline): Uncertain significance (1 of 4 stars; one submission).

gnomAD v4.1: 1 of 1,607,298 alleles (0.000062%); highest among the groups gnomAD compares: East Asian, 0.0022%; no homozygotes.

Submission:

Labcorp Genetics (formerly Invitae), Labcorp
Classification: Uncertain significance. Last evaluated: 2025-01-01. Review status: criteria provided, single submitter. Criteria: Invitae Variant Classification Sherloc (09022015). Collection method: clinical testing. Allele origin: germline.
Comment: This sequence change replaces lysine, which is basic and polar, with glutamic acid, which is acidic and polar, at codon 115 of the ERBIN protein (p.Lys115Glu). This variant is not present in population databases (gnomAD no frequency). This variant has not been reported in the literature in individuals affected with ERBIN-related conditions. An algorithm developed to predict the effect of missense changes on protein structure and function (PolyPhen-2) suggests that this variant is likely to be disruptive. In summary, the available evidence is currently insufficient to determine the role of this variant in disease. Therefore, it has been classified as a Variant of Uncertain Significance.

NM_001253697.2(ERBIN):c.343A>G (p.Lys115Glu)

Gene: ERBIN (erbb2 interacting protein; plus strand). Cytogenetic location: 5q12.3.
Variant type: single nucleotide variant.
Coding change: c.343A>G on transcript NM_001253697.2 (MANE Select); coding-DNA position 343, A replaced by G.
Protein change: p.Lys115Glu; replaces lysine 115 with glutamic acid.
Molecular consequence: missense variant.
Genome position (GRCh38, 1-based): chr5:66,012,084, A>G. VCF-style: chr5-66012084-A-G. GRCh37 (hg19) VCF-style: chr5-65307912-A-G.
Other names: c.343A>G, p.Lys115Glu (NM_001253699.2, NM_001253701.2, NM_018695.4 and 2 more transcripts); short protein forms K115E.
Identifiers: ClinVar variation 3685536 (VCV003685536.2).
Genomic context (GRCh38, chr5:66,012,084, plus strand): 5'-AATTTGATCGTTGTTTGTTTTCTAGGAATACAGGAGTTTCCAGAAAATATAAAAAATTGT[A>G]AAGTTTTGACAATTGTGGAGGCCAGTGTAAACCCTATTTCCAAGTAAGTTCTCAGGTGAA-3'
Protein context (NP_001240626.1, residues 105-125): QEFPENIKNC[Lys115Glu]VLTIVEASVN